The following is an entry in ClinVar:

NM_001195263.2(PDZD7):c.3026del (p.Pro1009fs)

Gene: PDZD7 (PDZ domain containing 7; minus strand). Cytogenetic location: 10q24.31.
Variant type: Deletion.
Coding change: c.3026del on transcript NM_001195263.2 (MANE Select); coding-DNA position 3026, one base deleted (C; older notation c.3026delC).
Protein change: p.Pro1009fs; shifts the reading frame from proline 1009.
Molecular consequence: frameshift variant.
Genome position (GRCh38, 1-based): chr10:101,008,543, G deleted on the plus strand (C on the coding strand, the reverse complement: PDZD7 is on the minus strand); the first of 2 consecutive G bases (chr10:101,008,543-101,008,544); deleting either gives the same sequence. VCF-style (leftmost placement, unchanged base first): chr10-101008542-TG-T. GRCh37 (hg19) VCF-style: chr10-102768299-TG-T.
Other names: short protein forms P1009fs.
Identifiers: ClinVar variation 2163425 (VCV002163425.4), dbSNP rs929699116, ClinGen allele CA212977182.

ClinVar aggregate classification (germline): Uncertain significance (1 of 4 stars; one submission).

Submission:

Labcorp Genetics (formerly Invitae), Labcorp
Classification: Uncertain significance. Last evaluated: 2022-11-28. Review status: criteria provided, single submitter. Criteria: Invitae Variant Classification Sherloc (09022015). Collection method: clinical testing. Allele origin: germline.
Comment: This sequence change results in a frameshift in the PDZD7 gene (p.Pro1009Glnfs*36). While this is not anticipated to result in nonsense mediated decay, it is expected to disrupt the last 25 amino acid(s) of the PDZD7 protein and extend the protein by 10 additional amino acid residues. This variant is present in population databases (no rsID available, gnomAD 0.03%). This variant has not been reported in the literature in individuals affected with PDZD7-related conditions. Experimental studies and prediction algorithms are not available or were not evaluated, and the functional significance of this variant is currently unknown. In summary, the available evidence is currently insufficient to determine the role of this variant in disease. Therefore, it has been classified as a Variant of Uncertain Significance.